The following is an entry in ClinVar:

NM_020207.7(ERCC6L2):c.973A>T (p.Ser325Cys)

Gene: ERCC6L2 (ERCC excision repair 6 like 2; plus strand). Cytogenetic location: 9q22.32.
Variant type: single nucleotide variant.
Coding change: c.973A>T on transcript NM_020207.7 (MANE Select); coding-DNA position 973, A replaced by T.
Protein change: p.Ser325Cys; replaces serine 325 with cysteine.
Molecular consequence: missense variant. On other transcripts: non-coding transcript variant (1).
Genome position (GRCh38, 1-based): chr9:95,916,249, A>T. VCF-style: chr9-95916249-A-T. GRCh37 (hg19) VCF-style: chr9-98678531-A-T.
Other names: c.973A>T, p.Ser325Cys (NM_001010895.4, NM_001375291.1, NM_001375292.1 and 2 more transcripts); short protein forms S325C.
Identifiers: ClinVar variation 4085174 (VCV004085174.8).

ClinVar aggregate classification (germline): Uncertain significance (1 of 4 stars; one submission).

Submission:

CeGaT Center for Human Genetics Tuebingen
Classification: Uncertain significance. Last evaluated: 2025-06-01. Review status: criteria provided, single submitter. Criteria: CeGaT Center For Human Genetics Tuebingen Variant Classification Criteria Version 2. Collection method: clinical testing. Allele origin: germline. Affected: yes. Observed: 1 variant allele.
Comment: ERCC6L2: PM2